The following is an entry in ClinVar:

NM_001376.5(DYNC1H1):c.6405+14G>A

Gene: DYNC1H1 (dynein cytoplasmic 1 heavy chain 1; plus strand). Cytogenetic location: 14q32.31.
Variant type: single nucleotide variant.
Coding change: c.6405+14G>A on transcript NM_001376.5 (MANE Select); 14 bases into the intron after coding-DNA position 6405, G replaced by A.
Molecular consequence: intron variant.
Genome position (GRCh38, 1-based): chr14:102,010,473, G>A. VCF-style: chr14-102010473-G-A. GRCh37 (hg19) VCF-style: chr14-102476810-G-A.
Identifiers: ClinVar variation 386188 (VCV000386188.1), dbSNP rs767581954, ClinGen allele CA7352601.
Genomic context (GRCh38, chr14:102,010,473, plus strand): 5'-AAGCAGTTGATGAAGGAGAAATTGCTGAAAATCTCCCTGAACAAGAGGTTCGTTACAAAC[G>A]TTTTGATCACTCAAACCTTATACGTTATTTAAATTTACCTTTTTAACATTTAAGCCATGA-3'

ClinVar aggregate classification (germline): Likely benign (1 of 4 stars; one submission).

Allele frequency attached by ClinVar (database versions not stated): gnomAD 0.00001; gnomAD exomes 0.00001 and 0.00002; TOPMed 0.00001; ExAC 0.00003.
gnomAD v4.1: 9 of 1,613,456 alleles (0.00056%); highest among the groups gnomAD compares: South Asian, 0.0044%; no homozygotes.

Submission:

GeneDx
Classification: Likely benign. Last evaluated: 2016-05-27. Review status: criteria provided, single submitter. Criteria: GeneDx Variant Classification (06012015). Collection method: clinical testing. Allele origin: germline. Affected: yes.
Comment: This variant is considered likely benign or benign based on one or more of the following criteria: it is a conservative change, it occurs at a poorly conserved position in the protein, it is predicted to be benign by multiple in silico algorithms, and/or has population frequency not consistent with disease.